The following is an entry in ClinVar:

NM_022124.6(CDH23):c.7225-2A>G

Gene: CDH23 (cadherin related 23; plus strand). Cytogenetic location: 10q22.1.
Variant type: single nucleotide variant.
Coding change: c.7225-2A>G on transcript NM_022124.6 (MANE Select); the canonical splice acceptor site of the intron before coding-DNA position 7225, A replaced by G.
Molecular consequence: splice acceptor variant.
Genome position (GRCh38, 1-based): chr10:71,799,490, A>G. VCF-style: chr10-71799490-A-G. GRCh37 (hg19) VCF-style: chr10-73559247-A-G.
Other names: c.505-2A>G (NM_001171933.1, NM_001171934.1).
Identifiers: ClinVar variation 1498436 (VCV001498436.8), dbSNP rs2132968572, ClinGen allele CA377159085.
Genomic context (GRCh38, chr10:71,799,490, plus strand): 5'-GCTGTGCTCGGGCTCTGGGACTGACCTTGGCCTACTCTCTCTCCCTGCCCCCTGGGCTCC[A>G]GGAGGCTGTCTTTGAGGATGTGCCTGTGGGCACAATCATCCTGACAGTCACTGCCACTGA-3'

ClinVar aggregate classification (germline): Likely pathogenic (1 of 4 stars; one submission).

Allele frequency attached by ClinVar (database versions not stated): gnomAD exomes below 0.00001.
gnomAD v4.1: 2 of 1,614,028 alleles (0.00012%); highest among the groups gnomAD compares: African/African-American, 0.0013%; no homozygotes.

Submission:

Labcorp Genetics (formerly Invitae), Labcorp
Classification: Likely pathogenic. Last evaluated: 2024-10-26. Review status: criteria provided, single submitter. Criteria: Invitae Variant Classification Sherloc (09022015). Collection method: clinical testing. Allele origin: germline.
Comment: This sequence change affects an acceptor splice site in intron 51 of the CDH23 gene. It is expected to disrupt RNA splicing. Variants that disrupt the donor or acceptor splice site typically lead to a loss of protein function (PMID: 16199547), and loss-of-function variants in CDH23 are known to be pathogenic (PMID: 11138009, 21940737). This variant is not present in population databases (gnomAD no frequency). Disruption of this splice site has been observed in individual(s) with Usher syndrome type I (PMID: 25468891). ClinVar contains an entry for this variant (Variation ID: 1498436). Algorithms developed to predict the effect of sequence changes on RNA splicing suggest that this variant may disrupt the consensus splice site. In summary, the currently available evidence indicates that the variant is pathogenic, but additional data are needed to prove that conclusively. Therefore, this variant has been classified as Likely Pathogenic.

Literature cited by the submitters: PubMed 16199547; PubMed 11138009; PubMed 21940737; PubMed 25468891.